The following is an entry in ClinVar:

ClinVar aggregate classification (germline): Conflicting classifications of pathogenicity. Review status: criteria provided, conflicting classifications (1 of 4 stars). 3 submissions from 3 submitters: Uncertain significance (2); Likely benign (1). Last evaluated 2024-10-07.

Conditions:
Inborn genetic diseases. Identifiers: MedGen C0950123, MeSH D030342.

Allele frequency attached by ClinVar (database versions not stated): gnomAD 0.00005; gnomAD exomes 0.00004; ExAC 0.00003; TOPMed 0.00007; ESP Exome Variant Server 0.00008.
gnomAD v4.1: 72 of 1,613,284 alleles (0.0045%); highest among the groups gnomAD compares: Admixed American, 0.022%; no homozygotes.

Submissions (3):

Labcorp Genetics (formerly Invitae), Labcorp
Classification: Uncertain significance. Last evaluated: 2024-10-07. Review status: criteria provided, single submitter. Criteria: Invitae Variant Classification Sherloc (09022015). Collection method: clinical testing. Allele origin: germline.
Comment: This sequence change replaces glycine, which is neutral and non-polar, with serine, which is neutral and polar, at codon 396 of the DLL4 protein (p.Gly396Ser). This variant is present in population databases (rs369687487, gnomAD 0.02%). This variant has not been reported in the literature in individuals affected with DLL4-related conditions. ClinVar contains an entry for this variant (Variation ID: 2075887). Invitae Evidence Modeling of protein sequence and biophysical properties (such as structural, functional, and spatial information, amino acid conservation, physicochemical variation, residue mobility, and thermodynamic stability) has been performed for this missense variant. However, the output from this modeling did not meet the statistical confidence thresholds required to predict the impact of this variant on DLL4 protein function. In summary, the available evidence is currently insufficient to determine the role of this variant in disease. Therefore, it has been classified as a Variant of Uncertain Significance.

GeneDx
Classification: Uncertain significance. Last evaluated: 2024-09-10. Review status: criteria provided, single submitter. Criteria: GeneDx Variant Classification Process June 2021. Collection method: clinical testing. Allele origin: germline. Affected: yes.
Comment: In silico analysis supports that this missense variant has a deleterious effect on protein structure/function; Has not been previously published as pathogenic or benign to our knowledge

Ambry Genetics
Classification: Likely benign for Inborn genetic diseases. Last evaluated: 2022-07-28. Review status: criteria provided, single submitter. Criteria: Ambry Variant Classification Scheme 2023. Collection method: clinical testing. Allele origin: germline.

Literature cited by the submitters: PubMed 28518168 (cited by Ambry Genetics); PubMed 32461654 (cited by Ambry Genetics).

NM_019074.4(DLL4):c.1186G>A (p.Gly396Ser)

Gene: DLL4 (delta like canonical Notch ligand 4; plus strand). Cytogenetic location: 15q15.1.
Variant type: single nucleotide variant.
Coding change: c.1186G>A on transcript NM_019074.4 (MANE Select); coding-DNA position 1186, G replaced by A.
Protein change: p.Gly396Ser; replaces glycine 396 with serine.
Molecular consequence: missense variant.
Genome position (GRCh38, 1-based): chr15:40,935,063, G>A. VCF-style: chr15-40935063-G-A. GRCh37 (hg19) VCF-style: chr15-41227261-G-A.
Other names: short protein forms G396S.
Identifiers: ClinVar variation 2075887 (VCV002075887.6), dbSNP rs369687487, ClinGen allele CA7487872.